The following is an entry in ClinVar:

NM_024678.6(NARS2):c.655G>A (p.Val219Ile)

Gene: NARS2 (asparaginyl-tRNA synthetase 2, mitochondrial; minus strand). Cytogenetic location: 11q14.1.
Variant type: single nucleotide variant.
Coding change: c.655G>A on transcript NM_024678.6 (MANE Select); coding-DNA position 655, G replaced by A.
Protein change: p.Val219Ile; replaces valine 219 with isoleucine.
Molecular consequence: missense variant. On other transcripts: 5 prime UTR variant (5), non-coding transcript variant (4), intron variant (2).
Genome position (GRCh38, 1-based): chr11:78,528,876, C>T on the plus strand (G>A on the coding strand, the complement: NARS2 is on the minus strand). VCF-style: chr11-78528876-C-T. GRCh37 (hg19) VCF-style: chr11-78239922-C-T.
Other names: c.-27G>A (NM_001243251.2, NM_001425310.1, NM_001425312.1 and 2 more transcripts); c.655G>A, p.Val219Ile (NM_001425299.1, NM_001425300.1, NM_001425301.1 and 4 more transcripts); c.574G>A, p.Val192Ile (NM_001425302.1, NM_001425303.1); c.424G>A, p.Val142Ile (NM_001425308.1); c.594+30663G>A (NM_001425307.1); c.38+30663G>A (NM_001425311.1); short protein forms V142I, V192I, V219I.
Identifiers: ClinVar variation 3368503 (VCV003368503.1).

ClinVar aggregate classification (germline): Uncertain significance (1 of 4 stars; one submission).

Submission:

GeneDx
Classification: Uncertain significance. Last evaluated: 2024-01-31. Review status: criteria provided, single submitter. Criteria: GeneDx Variant Classification Process June 2021. Collection method: clinical testing. Allele origin: germline. Affected: yes.
Comment: Not observed at significant frequency in large population cohorts (gnomAD); In silico analysis supports that this missense variant does not alter protein structure/function; Has not been previously published as pathogenic or benign to our knowledge